The following is an entry in ClinVar:

ClinVar aggregate classification (germline): Conflicting classifications of pathogenicity. Review status: criteria provided, conflicting classifications (1 of 4 stars). 3 submissions from 3 submitters: Uncertain significance (1); Benign (1); Likely benign (1). Last evaluated 2025-11-06.

Conditions:
Cortical dysplasia-focal epilepsy syndrome (PTHSL1). Also called: Pitt-Hopkins-like syndrome 1. Identifiers: Orphanet 163681, Orphanet 221150, MedGen C2750246, MONDO:0012400, OMIM 610042.

Allele frequency attached by ClinVar (database versions not stated): TOPMed 0.00002.
gnomAD v4.1: 37 of 1,613,202 alleles (0.0023%); highest among the groups gnomAD compares: Non-Finnish European, 0.0031%; no homozygotes.

Submissions (3):

Labcorp Genetics (formerly Invitae), Labcorp
Classification: Likely benign for Cortical dysplasia-focal epilepsy syndrome. Last evaluated: 2025-11-06. Review status: criteria provided, single submitter. Criteria: Invitae Variant Classification Sherloc (09022015). Collection method: clinical testing. Allele origin: germline.

Illumina Laboratory Services, Illumina
Classification: Uncertain significance for Cortical dysplasia-focal epilepsy syndrome. Last evaluated: 2018-02-02. Review status: criteria provided, single submitter. Criteria: ICSL Variant Classification Criteria 13 December 2019. Collection method: clinical testing. Allele origin: germline.

GeneDx
Classification: Benign. Last evaluated: 2014-10-20. Review status: criteria provided, single submitter. Criteria: GeneDx Variant Classification (06012015). Collection method: clinical testing. Allele origin: germline. Affected: yes.
Comment: This variant is considered likely benign or benign based on one or more of the following criteria: it is a conservative change, it occurs at a poorly conserved position in the protein, it is predicted to be benign by multiple in silico algorithms, and/or has population frequency not consistent with disease.

NM_014141.6(CNTNAP2):c.1348+13T>G

Gene: CNTNAP2 (contactin associated protein 2; plus strand). Cytogenetic location: 7q35.
Variant type: single nucleotide variant.
Coding change: c.1348+13T>G on transcript NM_014141.6 (MANE Select); 13 bases into the intron after coding-DNA position 1348, T replaced by G.
Molecular consequence: intron variant.
Genome position (GRCh38, 1-based): chr7:147,132,522, T>G. VCF-style: chr7-147132522-T-G. GRCh37 (hg19) VCF-style: chr7-146829614-T-G.
Identifiers: ClinVar variation 205213 (VCV000205213.8), dbSNP rs200282837, ClinGen allele CA314067.